The following is an entry in ClinVar:

NM_000426.4(LAMA2):c.2560C>T (p.Gln854Ter)

Gene: LAMA2 (laminin subunit alpha 2; plus strand). Cytogenetic location: 6q22.33.
Variant type: single nucleotide variant.
Coding change: c.2560C>T on transcript NM_000426.4 (MANE Select); coding-DNA position 2560, C replaced by T.
Protein change: p.Gln854Ter; replaces glutamine 854 with a stop codon.
Molecular consequence: nonsense.
Genome position (GRCh38, 1-based): chr6:129,287,869, C>T. VCF-style: chr6-129287869-C-T. GRCh37 (hg19) VCF-style: chr6-129609014-C-T.
Other names: c.2560C>T, p.Gln854Ter (NM_001079823.2); short protein forms Q854*.
Identifiers: ClinVar variation 661592 (VCV000661592.3), dbSNP rs1583421520, ClinGen allele CA365609745.
Genomic context (GRCh38, chr6:129,287,869, plus strand): 5'-TCCCCCCAAAGGCTCACTGATGAAATTTCTTGCCTTAGGTGTGCAGAAGGCTATTTTGGA[C>T]AACCCTCTGTACCTGGAGGATCATGTCAGCCATGCCAATGCAATGACAACCTTGACTTCT-3'

ClinVar aggregate classification (germline): Pathogenic. Review status: criteria provided, multiple submitters, no conflicts (2 of 4 stars). 2 submissions from 2 submitters: Pathogenic (2). Last evaluated 2025-09-10.

Conditions:
Merosin deficient congenital muscular dystrophy (MDC1A). Also called: Congenital merosin-deficient muscular dystrophy 1A; Congenital Muscular Dystrophy Type 1A (MDC1A). Identifiers: Orphanet 258, MedGen C1263858, MONDO:0011925, OMIM 607855.
LAMA2-related muscular dystrophy (LAMA2-RD). Also called: Laminin alpha 2-related dystrophy. Identifiers: MedGen C5679788, MONDO:0100228.

Submissions (2):

Genomic Medicine Center of Excellence, King Faisal Specialist Hospital and Research Centre
Classification: Pathogenic for Merosin deficient congenital muscular dystrophy. Last evaluated: 2025-09-10. Review status: criteria provided, single submitter. Criteria: ACMG Guidelines, 2015. Collection method: clinical testing. Allele origin: germline.

Labcorp Genetics (formerly Invitae), Labcorp
Classification: Pathogenic for Laminin alpha 2-related dystrophy. Last evaluated: 2019-04-11. Review status: criteria provided, single submitter. Criteria: Invitae Variant Classification Sherloc (09022015). Collection method: clinical testing. Allele origin: germline.
Comment: This sequence change creates a premature translational stop signal (p.Gln854*) in the LAMA2 gene. It is expected to result in an absent or disrupted protein product. This variant is not present in population databases (ExAC no frequency). This variant has not been reported in the literature in individuals with LAMA2-related conditions. Loss-of-function variants in LAMA2 are known to be pathogenic (PMID: 18700894). For these reasons, this variant has been classified as Pathogenic.